The following is an entry in ClinVar:

NM_001035.3(RYR2):c.11535A>G (p.Leu3845=)

Gene: RYR2 (ryanodine receptor 2; plus strand). Cytogenetic location: 1q43.
Variant type: single nucleotide variant.
Coding change: c.11535A>G on transcript NM_001035.3 (MANE Select); coding-DNA position 11535, A replaced by G.
Protein change: p.Leu3845=; no amino-acid change (leucine 3845 retained).
Molecular consequence: synonymous variant.
Genome position (GRCh38, 1-based): chr1:237,770,865, A>G. VCF-style: chr1-237770865-A-G. GRCh37 (hg19) VCF-style: chr1-237934165-A-G.
Identifiers: ClinVar variation 3074925 (VCV003074925.1), dbSNP rs2527597293, ClinGen allele CA423822327.
Genomic context (GRCh38, chr1:237,770,865, plus strand): 5'-AGGAGAAAAGGTTCTGCAGGACGATGAGTTCACCTGTGACCTCTTCCGATTCCTGCAACT[A>G]CTCTGTGAGGGACACAACTCAGGTTTGTGAGTCCCCGGAACTTCTGATGATACTAAGGCA-3'
Protein context (NP_001026.2, residues 3835-3855): FTCDLFRFLQ[Leu3845=]LCEGHNSDFQ

ClinVar aggregate classification (germline): Likely benign (1 of 4 stars; one submission).

Conditions:
Catecholaminergic polymorphic ventricular tachycardia (CVPT). Also called: Catecholamine-induced polymorphic ventricular tachycardia. Identifiers: Orphanet 3286, MedGen C5574922, MONDO:0017990.

Submission:

All of Us Research Program, National Institutes of Health
Classification: Likely benign for Catecholaminergic polymorphic ventricular tachycardia. Last evaluated: 2023-12-13. Review status: criteria provided, single submitter. Criteria: ACMG Guidelines, 2015. Collection method: clinical testing. Allele origin: germline. Inheritance: Autosomal dominant inheritance. Observed: 1 variant allele, 1 heterozygote.
Comment: This study involves interpretation of variants in research participants for the purpose of population health screening. Participant phenotype was not available at the time of variant classification. Additional details can be found in publication PMID: 35346344, PMCID: PMC8962531